The following is an entry in ClinVar:

NM_173598.6(KSR2):c.198C>A (p.Tyr66Ter)

Gene: KSR2 (kinase suppressor of ras 2; minus strand). Cytogenetic location: 12q24.23.
Variant type: single nucleotide variant.
Coding change: c.198C>A on transcript NM_173598.6 (MANE Select); coding-DNA position 198, C replaced by A.
Protein change: p.Tyr66Ter; replaces tyrosine 66 with a stop codon.
Molecular consequence: nonsense.
Genome position (GRCh38, 1-based): chr12:117,860,414, G>T on the plus strand (C>A on the coding strand, the complement: KSR2 is on the minus strand). VCF-style: chr12-117860414-G-T. GRCh37 (hg19) VCF-style: chr12-118298219-G-T.
Other names: short protein forms Y66*.
Identifiers: ClinVar variation 3344278 (VCV003344278.1).

ClinVar aggregate classification (germline): Uncertain significance (0 of 4 stars; one submission).

Conditions:
KSR2-related disorder. Also called: KSR2-related condition.

Submission:

PreventionGenetics, part of Exact Sciences
Classification: Uncertain significance for KSR2-related condition. Last evaluated: 2024-06-07. Review status: no assertion criteria provided. Collection method: clinical testing. Allele origin: germline.
Comment: The KSR2 c.111C>A variant is predicted to result in premature protein termination (p.Tyr37*). To our knowledge, this variant has not been reported in the literature or in a large population database, indicating this variant is rare. Loss of function has not been conclusively established as a mechanism for KSR2-related disorders. Although we suspect that this variant may be pathogenic, at this time, the clinical significance of this variant is uncertain due to the absence of conclusive functional and genetic evidence.